The following is an entry in ClinVar:

NM_015512.5(DNAH1):c.569T>C (p.Ile190Thr)

Gene: DNAH1 (dynein axonemal heavy chain 1; plus strand). Cytogenetic location: 3p21.1.
Variant type: single nucleotide variant.
Coding change: c.569T>C on transcript NM_015512.5 (MANE Select); coding-DNA position 569, T replaced by C.
Protein change: p.Ile190Thr; replaces isoleucine 190 with threonine.
Molecular consequence: missense variant.
Genome position (GRCh38, 1-based): chr3:52,326,302, T>C. VCF-style: chr3-52326302-T-C. GRCh37 (hg19) VCF-style: chr3-52360318-T-C.
Other names: p.Ile190Thr; short protein forms I190T.
Identifiers: ClinVar variation 478464 (VCV000478464.21), dbSNP rs61729450, ClinGen allele CA2432676.
Genomic context (GRCh38, chr3:52,326,302, plus strand): 5'-CCTACGAGCCCAAGATGCAGGTGCCTTTCCAGGTGCTGCCAGGCCAGCATCCTCGCAAGA[T>C]TGAGATCGAGAGGTACGGCTGGGTGGGCTGTGGGGAGACTGTCGGGGAGGTGGCATCCAC-3'
Protein context (NP_056327.4, residues 180-200): QVLPGQHPRK[Ile190Thr]EIERRKQQYL

ClinVar aggregate classification (germline): Benign/Likely benign. Review status: criteria provided, multiple submitters, no conflicts (2 of 4 stars). 5 submissions from 5 submitters: Benign (3); Likely benign (2). Last evaluated 2026-01-27.

Conditions:
Spermatogenic failure 18. Identifiers: MedGen C4539783, MONDO:0054615, OMIM 617576.
Ciliary dyskinesia, primary, 37 (CILD37). Also called: CILIARY DYSKINESIA, PRIMARY, 37, WITH OR WITHOUT SITUS INVERSUS. Identifiers: MedGen C4539798, MONDO:0033204, OMIM 617577.

Allele frequency attached by ClinVar (database versions not stated): ESP Exome Variant Server 0.00287; TOPMed 0.00315; gnomAD 0.00319 and 0.00397; gnomAD exomes 0.00590 and 0.00600; ExAC 0.00662; 1000 Genomes Project 30x 0.00734; 1000 Genomes Project 0.00819.
gnomAD v4.1: 9,179 of 1,607,330 alleles (0.57%); highest among the groups gnomAD compares: South Asian, 2.3%; 71 homozygotes.

Submissions (5):

Labcorp Genetics (formerly Invitae), Labcorp
Classification: Benign for Ciliary dyskinesia, primary, 37; Spermatogenic failure 18. Last evaluated: 2026-01-27. Review status: criteria provided, single submitter. Criteria: Invitae Variant Classification Sherloc (09022015). Collection method: clinical testing. Allele origin: germline.

ARUP Laboratories, Molecular Genetics and Genomics, ARUP Laboratories
Classification: Benign. Last evaluated: 2025-06-24. Review status: criteria provided, single submitter. Criteria: ARUP Molecular Germline Variant Investigation Process 2024. Collection method: clinical testing. Allele origin: germline.

Mayo Clinic Laboratories, Mayo Clinic
Classification: Benign. Last evaluated: 2023-03-30. Review status: criteria provided, single submitter. Criteria: ACMG Guidelines, 2015. Collection method: clinical testing. Allele origin: germline. Observed: 4 variant alleles.
Comment: BS1, BP4_strong

GeneDx
Classification: Likely benign. Last evaluated: 2018-07-09. Review status: criteria provided, single submitter. Criteria: GeneDx Variant Classification Process June 2021. Collection method: clinical testing. Allele origin: germline. Affected: yes.

Breakthrough Genomics
Classification: Likely benign. Review status: criteria provided, single submitter. Criteria: ACMG Guidelines, 2015. Collection method: not provided. Allele origin: germline. Inheritance: Autosomal recessive inheritance. Affected: yes.